The following is an entry in ClinVar:

ClinVar aggregate classification (germline): Uncertain significance (1 of 4 stars; one submission).

Conditions:
Costello syndrome (CSTLO). Also called: FACIOCUTANEOSKELETAL SYNDROME; FCS SYNDROME; HRAS-Related Costello Syndrome. Identifiers: Orphanet 3071, MedGen C0587248, MONDO:0009026, OMIM 218040.

Submission:

Labcorp Genetics (formerly Invitae), Labcorp
Classification: Uncertain significance for Costello syndrome. Last evaluated: 2025-02-06. Review status: criteria provided, single submitter. Criteria: Invitae Variant Classification Sherloc (09022015). Collection method: clinical testing. Allele origin: germline.
Comment: This sequence change creates a premature translational stop signal (p.Tyr141*) in the HRAS gene. It is expected to result in an absent or disrupted protein product. However, the current clinical and genetic evidence is not sufficient to establish whether loss-of-function variants in HRAS cause disease. This variant is not present in population databases (gnomAD no frequency). This variant has not been reported in the literature in individuals affected with HRAS-related conditions. In summary, the available evidence is currently insufficient to determine the role of this variant in disease. Therefore, it has been classified as a Variant of Uncertain Significance.

NM_005343.4(HRAS):c.423C>A (p.Tyr141Ter)

Genes: HRAS (HRas proto-oncogene, GTPase; minus strand), LRRC56 (leucine rich repeat containing 56; plus strand). Cytogenetic location: 11p15.5.
Variant type: single nucleotide variant.
Coding change: c.423C>A on transcript NM_005343.4 (MANE Select); coding-DNA position 423, C replaced by A.
Protein change: p.Tyr141Ter; replaces tyrosine 141 with a stop codon.
Molecular consequence: nonsense. On other transcripts: missense variant (1), intron variant (2).
Genome position (GRCh38, 1-based): chr11:533,480, G>T on the plus strand (C>A on the coding strand, the complement: HRAS is on the minus strand). VCF-style: chr11-533480-G-T. GRCh37 (hg19) VCF-style: chr11-533480-G-T.
Other names: c.423C>A, p.Tyr141Ter (NM_001130442.3, NM_176795.5); c.104C>A, p.Thr35Lys (NM_001318054.2); c.-162+5143G>T (NM_001441284.1, NM_001441286.1); short protein forms T35K, Y141*.
Identifiers: ClinVar variation 4805157 (VCV004805157.1).